The following is an entry in ClinVar:

NM_001001331.4(ATP2B2):c.3243C>G (p.Ile1081Met)

Gene: ATP2B2 (ATPase plasma membrane Ca2+ transporting 2; minus strand). Cytogenetic location: 3p25.3.
Variant type: single nucleotide variant.
Coding change: c.3243C>G on transcript NM_001001331.4 (MANE Select); coding-DNA position 3243, C replaced by G.
Protein change: p.Ile1081Met; replaces isoleucine 1081 with methionine.
Molecular consequence: missense variant.
Genome position (GRCh38, 1-based): chr3:10,338,353, G>C on the plus strand (C>G on the coding strand, the complement: ATP2B2 is on the minus strand). VCF-style: chr3-10338353-G-C. GRCh37 (hg19) VCF-style: chr3-10380037-G-C.
Other names: c.3108C>G, p.Ile1036Met (NM_001330611.3, NM_001353564.1, NM_001363862.1 and 2 more transcripts); c.3150C>G, p.Ile1050Met (NM_001438646.1); short protein forms I1081M, I1036M, I1050M.
Identifiers: ClinVar variation 4980750 (VCV004980750.1).

ClinVar aggregate classification (germline): Uncertain significance (1 of 4 stars; one submission).

Conditions:
ATP2B2-related disorder. Also called: ATP2B2-related condition.

Submission:

PreventionGenetics, part of Exact Sciences
Classification: Uncertain significance for ATP2B2-related condition. Last evaluated: 2026-01-29. Review status: criteria provided, single submitter. Criteria: ACMG Guidelines, 2015. Collection method: clinical testing. Allele origin: germline.
Comment: The ATP2B2 c.3108C>G variant is predicted to result in the amino acid substitution p.Ile1036Met. To our knowledge, this variant has not been reported in the literature or in a large population database (gnomAD), indicating this variant is rare. At this time, the clinical significance of this variant is uncertain due to the absence of conclusive functional and genetic evidence.